The following is an entry in ClinVar:

NM_014712.3(SETD1A):c.2350A>T (p.Thr784Ser)

Gene: SETD1A (SET domain containing 1A, histone lysine methyltransferase; plus strand). Cytogenetic location: 16p11.2.
Variant type: single nucleotide variant.
Coding change: c.2350A>T on transcript NM_014712.3 (MANE Select); coding-DNA position 2350, A replaced by T.
Protein change: p.Thr784Ser; replaces threonine 784 with serine.
Molecular consequence: missense variant.
Genome position (GRCh38, 1-based): chr16:30,966,231, A>T. VCF-style: chr16-30966231-A-T. GRCh37 (hg19) VCF-style: chr16-30977552-A-T.
Other names: short protein forms T784S.
Identifiers: ClinVar variation 3375677 (VCV003375677.1).

ClinVar aggregate classification (germline): Uncertain significance (1 of 4 stars; one submission).

gnomAD v4.1: 2 of 1,613,230 alleles (0.00012%); highest among the groups gnomAD compares: South Asian, 0.0011%; no homozygotes.

Submission:

GeneDx
Classification: Uncertain significance. Last evaluated: 2024-05-09. Review status: criteria provided, single submitter. Criteria: GeneDx Variant Classification Process June 2021. Collection method: clinical testing. Allele origin: germline. Affected: yes.
Comment: Not observed at significant frequency in large population cohorts (gnomAD); In silico analysis indicates that this missense variant does not alter protein structure/function; Has not been previously published as pathogenic or benign to our knowledge